The following is an entry in ClinVar:

NM_004646.4(NPHS1):c.1367G>A (p.Arg456Gln)

Gene: NPHS1 (NPHS1 adhesion molecule, nephrin; minus strand). Cytogenetic location: 19q13.12.
Variant type: single nucleotide variant.
Coding change: c.1367G>A on transcript NM_004646.4 (MANE Select); coding-DNA position 1367, G replaced by A.
Protein change: p.Arg456Gln; replaces arginine 456 with glutamine.
Molecular consequence: missense variant.
Genome position (GRCh38, 1-based): chr19:35,848,114, C>T on the plus strand (G>A on the coding strand, the complement: NPHS1 is on the minus strand). VCF-style: chr19-35848114-C-T. GRCh37 (hg19) VCF-style: chr19-36339016-C-T.
Other names: short protein forms R456Q.
Identifiers: ClinVar variation 1705508 (VCV001705508.8), dbSNP rs146290709, ClinGen allele CA9390453.

ClinVar aggregate classification (germline): Conflicting classifications of pathogenicity. Review status: criteria provided, conflicting classifications (1 of 4 stars). 4 submissions from 4 submitters: Uncertain significance (3); Likely benign (1). Last evaluated 2025-12-17.

Conditions:
Finnish congenital nephrotic syndrome (NPHS1). Also called: NEPHROTIC SYNDROME, TYPE 1. Identifiers: Orphanet 839, MedGen C0403399, MONDO:0009732, OMIM 256300.

Allele frequency attached by ClinVar (database versions not stated): gnomAD 0.00003; TOPMed 0.00003; gnomAD exomes 0.00008; ExAC 0.00013; 1000 Genomes Project 30x 0.00016; 1000 Genomes Project 0.00020; ESP Exome Variant Server 0.00023.
gnomAD v4.1: 124 of 1,614,044 alleles (0.0077%); highest among the groups gnomAD compares: East Asian, 0.18%; no homozygotes.

Submissions (4):

Labcorp Genetics (formerly Invitae), Labcorp
Classification: Likely benign. Last evaluated: 2025-12-17. Review status: criteria provided, single submitter. Criteria: Invitae Variant Classification Sherloc (09022015). Collection method: clinical testing. Allele origin: germline.

Blueprint Genetics
Classification: Uncertain significance. Last evaluated: 2024-11-15. Review status: criteria provided, single submitter. Criteria: ACMG Guidelines, 2015. Collection method: clinical testing. Allele origin: germline.

Women's Health and Genetics/Laboratory Corporation of America, LabCorp
Classification: Uncertain significance. Last evaluated: 2024-05-02. Review status: criteria provided, single submitter. Criteria: LabCorp Variant Classification Summary - May 2015. Collection method: clinical testing. Allele origin: germline.
Comment: Variant summary: NPHS1 c.1367G>A (p.Arg456Gln) results in a conservative amino acid change located in the Immunoglobulin subtype 2 domain (Immunoglobulin subtype 2) of the encoded protein sequence. Four of five in-silico tools predict a benign effect of the variant on protein function. The variant allele was found at a frequency of 0.00015 in 250354 control chromosomes. This frequency is not significantly higher than estimated for a pathogenic variant in NPHS1 causing Nephrotic Syndrome, Type 1 (0.00015 vs 0.0034), allowing no conclusion about variant significance. c.1367G>A has been reported in compound heterozygous state with a splce site variant in the literature in an individual affected with Nephrotic Syndrome, Type 1 (Jung_2023). These data do not allow any conclusion about variant significance. To our knowledge, no experimental evidence demonstrating an impact on protein function has been reported. The following publication have been ascertained in the context of this evaluation (PMID: 37270787). ClinVar contains an entry for this variant (Variation ID: 1705508). Based on the evidence outlined above, the variant was classified as uncertain significance.

3billion
Classification: Uncertain significance for Finnish congenital nephrotic syndrome. Last evaluated: 2022-09-01. Review status: criteria provided, single submitter. Criteria: ACMG Guidelines, 2015. Collection method: clinical testing. Allele origin: germline. Affected: yes. Observed: 1 heterozygote.
Comment: The variant is observed at an extremely low frequency in the gnomAD v2.1.1 dataset (total allele frequency: 0.015%). In silico tool predictions suggest no damaging effect of the variant on gene or gene product (REVEL: 0.39; 3Cnet: 0.05). The variant has been reported to be in trans with a pathogenic variant as either compound heterozygous or homozygous in at least one similarly affected unrelated individual (3billion dataset). Therefore, this variant is classified as uncertain significance according to the recommendation of ACMG/AMP guideline.

Literature cited by the submitters: PubMed 37270787 (cited by Women's Health and Genetics/Laboratory Corporation of America, LabCorp).